The following is an entry in ClinVar:

NM_001065.4(TNFRSF1A):c.413A>G (p.Glu138Gly)

Gene: TNFRSF1A (TNF receptor superfamily member 1A; minus strand). Cytogenetic location: 12p13.31.
Variant type: single nucleotide variant.
Coding change: c.413A>G on transcript NM_001065.4 (MANE Select); coding-DNA position 413, A replaced by G.
Protein change: p.Glu138Gly; replaces glutamic acid 138 with glycine.
Molecular consequence: missense variant. On other transcripts: 5 prime UTR variant (1), non-coding transcript variant (1).
Genome position (GRCh38, 1-based): chr12:6,333,426, T>C on the plus strand (A>G on the coding strand, the complement: TNFRSF1A is on the minus strand). VCF-style: chr12-6333426-T-C. GRCh37 (hg19) VCF-style: chr12-6442592-T-C.
Other names: c.89A>G, p.Glu30Gly (NM_001346091.2); c.-165A>G (NM_001346092.2); short protein forms E138G, E30G.
Identifiers: ClinVar variation 1983114 (VCV001983114.6), dbSNP rs104895286, ClinGen allele CA232329920.

ClinVar aggregate classification (germline): Uncertain significance. Review status: criteria provided, multiple submitters, no conflicts (2 of 4 stars). 3 submissions from 3 submitters: Uncertain significance (3). Last evaluated 2025-09-29.

Conditions:
Inborn genetic diseases. Identifiers: MedGen C0950123, MeSH D030342.
TNF receptor-associated periodic fever syndrome (TRAPS) (FPF). Also called: FAMILIAL HIBERNIAN FEVER; TNF RECEPTOR-ASSOCIATED PERIODIC SYNDROME; TUMOR NECROSIS FACTOR RECEPTOR-ASSOCIATED PERIODIC SYNDROME; TNF receptor 1-associated periodic fever syndrome; Autosomal Dominant Familial Periodic Fever; TNF Receptor-Associated Periodic Fever Syndrome. Identifiers: Orphanet 32960, MedGen C1275126, MONDO:0007727, OMIM 142680.

gnomAD v4.1: 11 of 1,613,952 alleles (0.00068%); highest among the groups gnomAD compares: African/African-American, 0.015%; no homozygotes.

Submissions (3):

Ambry Genetics
Classification: Uncertain significance for Inborn genetic diseases. Last evaluated: 2025-09-29. Review status: criteria provided, single submitter. Criteria: Ambry Variant Classification Scheme 2023. Collection method: clinical testing. Allele origin: germline.

Blueprint Genetics
Classification: Uncertain significance. Last evaluated: 2024-01-23. Review status: criteria provided, single submitter. Criteria: ACMG Guidelines, 2015. Collection method: clinical testing. Allele origin: germline.

Labcorp Genetics (formerly Invitae), Labcorp
Classification: Uncertain significance for TNF receptor-associated periodic fever syndrome (TRAPS). Last evaluated: 2022-01-20. Review status: criteria provided, single submitter. Criteria: Invitae Variant Classification Sherloc (09022015). Collection method: clinical testing. Allele origin: germline.
Comment: In summary, the available evidence is currently insufficient to determine the role of this variant in disease. Therefore, it has been classified as a Variant of Uncertain Significance. Advanced modeling of protein sequence and biophysical properties (such as structural, functional, and spatial information, amino acid conservation, physicochemical variation, residue mobility, and thermodynamic stability) performed at Invitae indicates that this missense variant is not expected to disrupt TNFRSF1A protein function. This variant has not been reported in the literature in individuals affected with TNFRSF1A-related conditions. This variant is present in population databases (no rsID available, gnomAD 0.008%). This sequence change replaces glutamic acid, which is acidic and polar, with glycine, which is neutral and non-polar, at codon 138 of the TNFRSF1A protein (p.Glu138Gly).